The following is an entry in ClinVar:

ClinVar aggregate classification (germline): Uncertain significance. Review status: criteria provided, multiple submitters, no conflicts (2 of 4 stars). 2 submissions from 2 submitters: Uncertain significance (2). Last evaluated 2022-08-15.

Allele frequency attached by ClinVar (database versions not stated): gnomAD exomes 0.00001; ExAC 0.00002; ESP Exome Variant Server 0.00008; TOPMed 0.00008; gnomAD 0.00009; 1000 Genomes Project 30x 0.00031; 1000 Genomes Project 0.00040.
gnomAD v4.1: 35 of 1,613,042 alleles (0.0022%); highest among the groups gnomAD compares: African/African-American, 0.045%; no homozygotes.

Submissions (2):

Labcorp Genetics (formerly Invitae), Labcorp
Classification: Uncertain significance. Last evaluated: 2022-08-15. Review status: criteria provided, single submitter. Criteria: Invitae Variant Classification Sherloc (09022015). Collection method: clinical testing. Allele origin: germline.
Comment: This sequence change replaces glycine, which is neutral and non-polar, with aspartic acid, which is acidic and polar, at codon 724 of the RUSC2 protein (p.Gly724Asp). This variant is present in population databases (rs143042316, gnomAD 0.01%). This variant has not been reported in the literature in individuals affected with RUSC2-related conditions. ClinVar contains an entry for this variant (Variation ID: 1371561). Algorithms developed to predict the effect of missense changes on protein structure and function (SIFT, PolyPhen-2, Align-GVGD) all suggest that this variant is likely to be tolerated. In summary, the available evidence is currently insufficient to determine the role of this variant in disease. Therefore, it has been classified as a Variant of Uncertain Significance.

Breakthrough Genomics
Classification: Uncertain significance. Review status: criteria provided, single submitter. Criteria: ACMG Guidelines, 2015. Collection method: not provided. Allele origin: germline. Inheritance: Autosomal recessive inheritance. Affected: yes.

NM_014806.5(RUSC2):c.2171G>A (p.Gly724Asp)

Gene: RUSC2 (RUN and SH3 domain containing 2; plus strand). Cytogenetic location: 9p13.3.
Variant type: single nucleotide variant.
Coding change: c.2171G>A on transcript NM_014806.5 (MANE Select); coding-DNA position 2171, G replaced by A.
Protein change: p.Gly724Asp; replaces glycine 724 with aspartic acid.
Molecular consequence: missense variant. On other transcripts: 5 prime UTR variant (1), non-coding transcript variant (1).
Genome position (GRCh38, 1-based): chr9:35,555,216, G>A. VCF-style: chr9-35555216-G-A. GRCh37 (hg19) VCF-style: chr9-35555213-G-A.
Other names: c.2171G>A, p.Gly724Asp (NM_001135999.2); c.-464G>A (NM_001330740.2); short protein forms G724D.
Identifiers: ClinVar variation 1371561 (VCV001371561.7), dbSNP rs143042316, ClinGen allele CA5043817.